The following is an entry in ClinVar:

ClinVar aggregate classification (germline): Pathogenic (1 of 4 stars; one submission).

Conditions:
Familial thoracic aortic aneurysm and aortic dissection (TAAD). Also called: Thoracic aortic aneurysms and dissections. Identifiers: Orphanet 91387, MedGen C4707243, MONDO:0019625.
Marfan syndrome (MFS). Also called: Marfan syndrome type 1; Marfan syndrome, classic; Marfan's syndrome; FBN1-Related Marfan Syndrome; MARFAN SYNDROME, TYPE I. Identifiers: Orphanet 284963, Orphanet 558, MedGen C0024796, MONDO:0007947, OMIM 154700.

Submission:

Labcorp Genetics (formerly Invitae), Labcorp
Classification: Pathogenic for Marfan syndrome; Familial thoracic aortic aneurysm and aortic dissection. Last evaluated: 2019-02-12. Review status: criteria provided, single submitter. Criteria: Invitae Variant Classification Sherloc (09022015). Collection method: clinical testing. Allele origin: germline.
Comment: This variant is not present in population databases (ExAC no frequency). This sequence change creates a premature translational stop signal (p.Asn2008Metfs*51) in the FBN1 gene. It is expected to result in an absent or disrupted protein product. For these reasons, this variant has been classified as Pathogenic. Loss-of-function variants in FBN1 are known to be pathogenic (PMID: 17657824, 19293843). This variant has not been reported in the literature in individuals with FBN1-related disease.

Literature cited by the submitters: PubMed 17657824; PubMed 19293843.

NM_000138.5(FBN1):c.6023del (p.Asn2008fs)

Gene: FBN1 (fibrillin 1; minus strand). Cytogenetic location: 15q21.1.
Variant type: Deletion.
Coding change: c.6023del on transcript NM_000138.5 (MANE Select); coding-DNA position 6023, one base deleted (A; older notation c.6023delA).
Protein change: p.Asn2008fs; shifts the reading frame from asparagine 2008.
Molecular consequence: frameshift variant.
Genome position (GRCh38, 1-based): chr15:48,444,555, T deleted on the plus strand (A on the coding strand, the reverse complement: FBN1 is on the minus strand); the first of 4 consecutive T bases (chr15:48,444,555-48,444,558); deleting any one gives the same sequence. VCF-style (leftmost placement, unchanged base first): chr15-48444554-AT-A. GRCh37 (hg19) VCF-style: chr15-48736751-AT-A.
Other names: c.6023delA (NM_000138.4); short protein forms N2008fs.
Identifiers: ClinVar variation 527212 (VCV000527212.8), dbSNP rs1555395640, ClinGen allele CA658798336.